The following is an entry in ClinVar:

ClinVar aggregate classification (germline): Uncertain significance (1 of 4 stars; one submission).

Submission:

Labcorp Genetics (formerly Invitae), Labcorp
Classification: Uncertain significance. Last evaluated: 2022-03-07. Review status: criteria provided, single submitter. Criteria: Invitae Variant Classification Sherloc (09022015). Collection method: clinical testing. Allele origin: germline.
Comment: Algorithms developed to predict the effect of sequence changes on RNA splicing suggest that this variant may create or strengthen a splice site. In summary, the available evidence is currently insufficient to determine the role of this variant in disease. Therefore, it has been classified as a Variant of Uncertain Significance. Algorithms developed to predict the effect of missense changes on protein structure and function are either unavailable or do not agree on the potential impact of this missense change (SIFT: "Not Available"; PolyPhen-2: "Benign"; Align-GVGD: "Not Available"). This variant has not been reported in the literature in individuals affected with ATR-related conditions. The frequency data for this variant in the population databases is considered unreliable, as metrics indicate poor data quality at this position in the gnomAD database. This sequence change replaces methionine with threonine at codon 211 of the ATR protein (p.Met211Thr). The methionine residue is weakly conserved and there is a moderate physicochemical difference between methionine and threonine.

NM_001184.4(ATR):c.632_633inv (p.Met211Thr)

Gene: ATR (ATR serine/threonine kinase; minus strand). Cytogenetic location: 3q23.
Variant type: Inversion.
Coding change: c.632_633inv on transcript NM_001184.4 (MANE Select).
Protein change: p.Met211Thr; replaces methionine 211 with threonine.
Molecular consequence: missense variant.
Genome position: GRCh38 VCF-style: chr3-142562769-CA-TG. GRCh37 (hg19) VCF-style: chr3-142281611-CA-TG.
Other names: c.632_633inv, p.Met211Thr (NM_001354579.2); short protein forms M211T.
Identifiers: ClinVar variation 1478229 (VCV001478229.4), ClinGen allele CA2573136624.